The following is an entry in ClinVar:

ClinVar aggregate classification (germline): Likely benign (1 of 4 stars; one submission).

Submission:

CeGaT Center for Human Genetics Tuebingen
Classification: Likely benign. Last evaluated: 2026-06-01. Review status: criteria provided, single submitter. Criteria: CeGaT Center For Human Genetics Tuebingen Variant Classification Criteria Version 2. Collection method: clinical testing. Allele origin: germline. Affected: yes. Observed: 1 variant allele.
Comment: SPIN4: PM2:Supporting, BP4, BP7

NM_001012968.3(SPIN4):c.429G>A (p.Ala143=)

Genes: SPIN4 (spindlin family member 4; minus strand), SPIN4-AS1 (SPIN4 antisense RNA 1; plus strand). Cytogenetic location: Xq11.1.
Variant type: single nucleotide variant.
Coding change: c.429G>A on transcript NM_001012968.3 (MANE Select); coding-DNA position 429, G replaced by A.
Protein change: p.Ala143=; no amino-acid change (alanine 143 retained).
Molecular consequence: synonymous variant.
Genome position (GRCh38, 1-based): chrX:63,350,391, C>T on the plus strand (G>A on the coding strand, the complement: SPIN4 is on the minus strand). VCF-style: chrX-63350391-C-T. GRCh37 (hg19) VCF-style: chrX-62570270-C-T.
Identifiers: ClinVar variation 4873649 (VCV004873649.2).
Genomic context (GRCh38, chrX:63,350,391, plus strand): 5'-ATAGAGAACAGGATCTTTCTCGTAGGTGATGTAAAACCAAGTATCCATCACAGGAGCTCG[C>T]GCCAGGACCATACCCTTCCATTCATCCTTGGTACCATGTTCACCTTCAAACACATGCTCC-3'
Protein context (NP_001012986.2, residues 133-153): TKDEWKGMVL[Ala143=]RAPVMDTWFY